The following is an entry in ClinVar:

NM_017514.5(PLXNA3):c.4290G>A (p.Glu1430=)

Gene: PLXNA3 (plexin A3; plus strand). Cytogenetic location: Xq28.
Variant type: single nucleotide variant.
Coding change: c.4290G>A on transcript NM_017514.5 (MANE Select); coding-DNA position 4290, G replaced by A.
Protein change: p.Glu1430=; no amino-acid change (glutamic acid 1430 retained).
Molecular consequence: synonymous variant.
Genome position (GRCh38, 1-based): chrX:154,468,825, G>A. VCF-style: chrX-154468825-G-A. GRCh37 (hg19) VCF-style: chrX-153697168-G-A.
Identifiers: ClinVar variation 2661844 (VCV002661844.24), dbSNP rs782573186, ClinGen allele CA10564859.

ClinVar aggregate classification (germline): Likely benign. Review status: criteria provided, single submitter (1 of 4 stars). 2 submissions from 2 submitters: Likely benign (1). 1 of the submissions does not count toward it. Last evaluated 2022-09-01.

Conditions:
PLXNA3-related disorder. Also called: PLXNA3-related condition.

Allele frequency attached by ClinVar (database versions not stated): gnomAD 0.00001; ExAC 0.00002; gnomAD exomes 0.00002; TOPMed 0.00002.
gnomAD v4.1: 26 of 1,210,218 alleles (0.0021%); highest among the groups gnomAD compares: Non-Finnish European, 0.0029%; no homozygotes.

Submissions (2):

CeGaT Center for Human Genetics Tuebingen
Classification: Likely benign. Last evaluated: 2022-09-01. Review status: criteria provided, single submitter. Criteria: CeGaT Center For Human Genetics Tuebingen Variant Classification Criteria Version 2. Collection method: clinical testing. Allele origin: germline. Affected: yes. Observed: 1 variant allele.
Comment: PLXNA3: BP4, BP7

PreventionGenetics, part of Exact Sciences
Classification: Likely benign for PLXNA3-related condition. Last evaluated: 2023-11-05. Review status: no assertion criteria provided. Collection method: clinical testing. Allele origin: germline. Not counted in ClinVar's aggregate classification.
Comment: This variant is classified as likely benign based on ACMG/AMP sequence variant interpretation guidelines (Richards et al. 2015 PMID: 25741868, with internal and published modifications).